The following is an entry in ClinVar:

NM_000059.4(BRCA2):c.5385A>T (p.Lys1795Asn)

Gene: BRCA2 (BRCA2 DNA repair associated; plus strand). Cytogenetic location: 13q13.1.
Variant type: single nucleotide variant.
Coding change: c.5385A>T on transcript NM_000059.4 (MANE Select); coding-DNA position 5385, A replaced by T.
Protein change: p.Lys1795Asn; replaces lysine 1795 with asparagine.
Molecular consequence: missense variant.
Genome position (GRCh38, 1-based): chr13:32,339,740, A>T. VCF-style: chr13-32339740-A-T. GRCh37 (hg19) VCF-style: chr13-32913877-A-T.
Other names: short protein forms K1795N.
Identifiers: ClinVar variation 665333 (VCV000665333.15), dbSNP rs1593905343, ClinGen allele CA387785231.

ClinVar aggregate classification (germline): Conflicting classifications of pathogenicity. Review status: criteria provided, conflicting classifications (1 of 4 stars). 4 submissions from 4 submitters: Uncertain significance (3); Likely benign (1). Last evaluated 2026-06-01.

Conditions:
Hereditary cancer-predisposing syndrome. Also called: Neoplastic Syndromes, Hereditary; Hereditary Cancer Syndrome; Tumor predisposition; Hereditary neoplastic syndrome. Identifiers: Orphanet 140162, MedGen C0027672, MeSH D009386, MONDO:0015356.
Hereditary breast ovarian cancer syndrome. Also called: Hereditary breast and ovarian cancer syndrome; Hereditary breast and ovarian cancer syndrome (HBOC); Hereditary breast and ovarian cancer; Hereditary breast and/or ovarian cancer syndrome; Breast and ovarian cancer; BRCA1- and BRCA2-Associated Hereditary Breast and Ovarian Cancer. Identifiers: Orphanet 145, MedGen C0677776, MeSH D061325, MONDO:0003582. Disease mechanism: loss of function.

Submissions (4):

CeGaT Center for Human Genetics Tuebingen
Classification: Uncertain significance. Last evaluated: 2026-06-01. Review status: criteria provided, single submitter. Criteria: CeGaT Center For Human Genetics Tuebingen Variant Classification Criteria Version 2. Collection method: clinical testing. Allele origin: germline. Affected: yes. Observed: 1 variant allele.
Comment: BRCA2: PM2, BP4

Labcorp Genetics (formerly Invitae), Labcorp
Classification: Uncertain significance for Hereditary breast ovarian cancer syndrome. Last evaluated: 2025-12-08. Review status: criteria provided, single submitter. Criteria: Invitae Variant Classification Sherloc (09022015). Collection method: clinical testing. Allele origin: germline.
Comment: This sequence change replaces lysine, which is basic and polar, with asparagine, which is neutral and polar, at codon 1795 of the BRCA2 protein (p.Lys1795Asn). This variant is not present in population databases (gnomAD no frequency). This variant has not been reported in the literature in individuals affected with BRCA2-related conditions. ClinVar contains an entry for this variant (Variation ID: 665333). Invitae Evidence Modeling of protein sequence and biophysical properties (such as structural, functional, and spatial information, amino acid conservation, physicochemical variation, residue mobility, and thermodynamic stability) indicates that this missense variant is not expected to disrupt BRCA2 protein function with a negative predictive value of 95%. In summary, the available evidence is currently insufficient to determine the role of this variant in disease. Therefore, it has been classified as a Variant of Uncertain Significance.

Ambry Genetics
Classification: Uncertain significance for Hereditary cancer-predisposing syndrome. Last evaluated: 2025-06-08. Review status: criteria provided, single submitter. Criteria: Ambry Variant Classification Scheme 2023. Collection method: clinical testing. Allele origin: germline.
Comment: The p.K1795N variant (also known as c.5385A>T), located in coding exon 10 of the BRCA2 gene, results from an A to T substitution at nucleotide position 5385. The lysine at codon 1795 is replaced by asparagine, an amino acid with similar properties. This amino acid position is conserved. In addition, this alteration is predicted to be tolerated by in silico analysis. Based on the available evidence, the clinical significance of this variant remains unclear.

University of Washington Department of Laboratory Medicine, University of Washington
Classification: Likely benign for Hereditary cancer-predisposing syndrome. Last evaluated: 2023-03-23. Review status: criteria provided, single submitter. Criteria: Dines et al. (Genet Med. 2020). Collection method: curation. Allele origin: germline.
Comment: Missense variant in a coldspot region where missense variants are very unlikely to be pathogenic (PMID:31911673).

BRCA2 exon 11 coldspot. Reclassification based on statistical prior probability.